The following is an entry in ClinVar:

ClinVar aggregate classification (germline): Uncertain significance (1 of 4 stars; one submission).

Allele frequency attached by ClinVar (database versions not stated): gnomAD exomes below 0.00001; ExAC 0.00001; gnomAD 0.00001; TOPMed 0.00002.
gnomAD v4.1: 2 of 1,609,732 alleles (0.00012%); highest among the groups gnomAD compares: African/African-American, 0.0027%; no homozygotes.

Submission:

Labcorp Genetics (formerly Invitae), Labcorp
Classification: Uncertain significance. Last evaluated: 2021-09-26. Review status: criteria provided, single submitter. Criteria: Invitae Variant Classification Sherloc (09022015). Collection method: clinical testing. Allele origin: germline.
Comment: In summary, the available evidence is currently insufficient to determine the role of this variant in disease. Therefore, it has been classified as a Variant of Uncertain Significance. Nucleotide substitutions within the consensus splice site are a relatively common cause of aberrant splicing (PMID: 17576681, 9536098). Experimental studies and prediction algorithms are not available or were not evaluated, and the effect of this variant on mRNA splicing is currently unknown. This variant has not been reported in the literature in individuals with ATAD1-related conditions. This variant is present in population databases (rs769528321, ExAC 0.01%). This sequence change falls in intron 4 of the ATAD1 gene. It does not directly change the encoded amino acid sequence of the ATAD1 protein. It affects a nucleotide within the consensus splice site of the intron.

Literature cited by the submitters: PubMed 17576681; PubMed 9536098.

NM_001321967.2(ATAD1):c.382+5G>A

Gene: ATAD1 (ATPase family AAA domain containing 1; minus strand). Cytogenetic location: 10q23.31.
Variant type: single nucleotide variant.
Coding change: c.382+5G>A on transcript NM_001321967.2 (MANE Select); 5 bases into the intron after coding-DNA position 382, G replaced by A.
Molecular consequence: intron variant.
Genome position (GRCh38, 1-based): chr10:87,790,305, C>T on the plus strand (G>A on the coding strand, the complement: ATAD1 is on the minus strand). VCF-style: chr10-87790305-C-T. GRCh37 (hg19) VCF-style: chr10-89550062-C-T.
Other names: c.382+5G>A (NM_001321968.2, NM_032810.4); c.-66+5G>A (NM_001321969.2).
Identifiers: ClinVar variation 1419230 (VCV001419230.4), dbSNP rs769528321, ClinGen allele CA5590108.